The following is an entry in ClinVar:

NM_018933.4(PCDHB13):c.771G>A (p.Pro257=)

Genes: PCDHB13 (protocadherin beta 13; plus strand), PCDHB@ (protocadherin beta cluster; plus strand). Cytogenetic location: 5q31.3.
Variant type: single nucleotide variant.
Coding change: c.771G>A on transcript NM_018933.4 (MANE Select); coding-DNA position 771, G replaced by A.
Protein change: p.Pro257=; no amino-acid change (proline 257 retained).
Molecular consequence: synonymous variant.
Genome position (GRCh38, 1-based): chr5:141,214,894, G>A. VCF-style: chr5-141214894-G-A. GRCh37 (hg19) VCF-style: chr5-140594466-G-A.
Identifiers: ClinVar variation 2655833 (VCV002655833.24), dbSNP rs17844608, ClinGen allele CA3463801.

ClinVar aggregate classification (germline): Likely benign (1 of 4 stars; one submission).

Allele frequency attached by ClinVar (database versions not stated): ExAC 0.00285.

Submission:

CeGaT Center for Human Genetics Tuebingen
Classification: Likely benign. Last evaluated: 2023-07-01. Review status: criteria provided, single submitter. Criteria: CeGaT Center For Human Genetics Tuebingen Variant Classification Criteria Version 2. Collection method: clinical testing. Allele origin: germline. Affected: yes. Observed: 1 variant allele.
Comment: PCDHB13: BP4, BP7